The following is an entry in ClinVar:

NM_000046.5(ARSB):c.1601A>G (p.Ter534Trp)

Gene: ARSB (arylsulfatase B; minus strand). Cytogenetic location: 5q14.1.
Variant type: single nucleotide variant.
Coding change: c.1601A>G on transcript NM_000046.5 (MANE Select); coding-DNA position 1601, A replaced by G.
Protein change: p.Ter534Trp.
Molecular consequence: stop lost.
Genome position (GRCh38, 1-based): chr5:78,780,398, T>C on the plus strand (A>G on the coding strand, the complement: ARSB is on the minus strand). VCF-style: chr5-78780398-T-C. GRCh37 (hg19) VCF-style: chr5-78076221-T-C.
Other names: *534W.
Identifiers: ClinVar variation 559729 (VCV000559729.10), dbSNP rs1554069655, ClinGen allele CA360338756.

ClinVar aggregate classification (germline): Pathogenic/Likely pathogenic. Review status: criteria provided, multiple submitters, no conflicts (2 of 4 stars). 4 submissions from 4 submitters: Pathogenic (1); Likely pathogenic (2). 1 of the submissions does not count toward it. Last evaluated 2025-06-16.

Conditions:
Mucopolysaccharidosis type 6 (MPS6). Also called: N-ACETYLGALACTOSAMINE-4-SULFATASE DEFICIENCY; MPS VI; MPS 6; Maroteaux Lamy syndrome; ARSB DEFICIENCY; ARYLSULFATASE B DEFICIENCY. Identifiers: Orphanet 583, MedGen C0026709, MONDO:0009661, OMIM 253200.

Allele frequency attached by ClinVar (database versions not stated): gnomAD exomes below 0.00001.
gnomAD v4.1: 1 of 1,614,064 alleles (0.000062%); highest among the groups gnomAD compares: Non-Finnish European, 0.000085%; no homozygotes.

Submissions (4):

Natera, Inc.
Classification: Likely pathogenic for Mucopolysaccharidosis type VI. Last evaluated: 2025-06-16. Review status: criteria provided, single submitter. Criteria: Natera Variant Classification Schema (03/2026). Collection method: clinical testing. Allele origin: germline.
Comment: The c.1601A>G variant in ARSB is a stop-loss variant predicted to disrupt the normal termination codon and extend translation beyond the canonical stop site. This variant is rare in the general population with a frequency below the threshold expected for the associated phenotype(s). This variant has been observed in one or more individuals affected with the associated recessive disease, as either homozygous or compound heterozygous with a second variant (PMID: 30524696). Functional studies show that this variant may disrupt protein function (PMID: 30524696). Given the available evidence, this variant is classified as Likely Pathogenic.

Labcorp Genetics (formerly Invitae), Labcorp
Classification: Pathogenic for Mucopolysaccharidosis type 6. Last evaluated: 2022-07-05. Review status: criteria provided, single submitter. Criteria: Invitae Variant Classification Sherloc (09022015). Collection method: clinical testing. Allele origin: germline.
Comment: ClinVar contains an entry for this variant (Variation ID: 559729). This sequence change results in a frameshift in the ARSB gene (p.*534Trpext*50). While this is not anticipated to result in nonsense mediated decay, it is expected to disrupt the last amino acid(s) of the ARSB protein and extend the protein by 50 additional amino acid residues This variant is not present in population databases (gnomAD no frequency). This variant has been observed in individual(s) with mucopolysaccharidosis type VI (PMID: 26909334, 30524696). This variant is also known as p.*534W. This variant results in an extension of the ARSB protein. Other variant(s) that result in a similarly extended protein product (p.*534Serext*50 and p.*534Glnext*50) have been determined to be pathogenic (PMID: 8144552; Invitae). This suggests that these extensions are likely to be disease-causing. For these reasons, this variant has been classified as Pathogenic.

Revvity Omics, Revvity
Classification: Likely pathogenic for Mucopolysaccharidosis type 6. Last evaluated: 2021-07-23. Review status: criteria provided, single submitter. Criteria: ACMG Guidelines, 2015. Collection method: clinical testing. Allele origin: germline.

Laboratory of Diagnosis and Therapy of Lysosomal Disorders, University of Padova
Classification: Uncertain significance for Mucopolysaccharidosis type 6. Last evaluated: 2018-01-01. Review status: flagged submission. Criteria: ACMG Guidelines, 2015. Collection method: curation. Allele origin: germline. Affected: yes. Not counted in ClinVar's aggregate classification.
Comment: Absent from GnomAD (PM2); Protein length changes as a result of a stop-loss variant (PM4)
ClinVar note: Reason: Claim with insufficient supporting evidence

Literature cited by the submitters: PubMed 30524696 (cited by Natera, Inc. and Labcorp Genetics (formerly Invitae), Labcorp); PubMed 26909334 (cited by Labcorp Genetics (formerly Invitae), Labcorp and Laboratory of Diagnosis and Therapy of Lysosomal Disorders, University of Padova); PubMed 8144552 (cited by Labcorp Genetics (formerly Invitae), Labcorp); PubMed 30118150 (cited by Laboratory of Diagnosis and Therapy of Lysosomal Disorders, University of Padova).